The following is an entry in ClinVar:

NM_000501.4(ELN):c.1918+2T>G

Gene: ELN (elastin; plus strand). Cytogenetic location: 7q11.23.
Variant type: single nucleotide variant.
Coding change: c.1918+2T>G on transcript NM_000501.4 (MANE Select); the canonical splice donor site of the intron after coding-DNA position 1918, T replaced by G.
Molecular consequence: splice donor variant.
Genome position (GRCh38, 1-based): chr7:74,063,371, T>G. VCF-style: chr7-74063371-T-G. GRCh37 (hg19) VCF-style: chr7-73477701-T-G.
Other names: c.1933+2T>G (NM_001081754.3); c.1876+2T>G (NM_001081753.3); c.2104+2T>G (NM_001278939.2); c.1936+2T>G (NM_001278915.2); c.1918+2T>G (NM_001278912.2); c.1861+2T>G (NM_001081755.3); c.1774+2T>G (NM_001278916.2); c.1675+2T>G (NM_001278913.2); and 4 more.
Identifiers: ClinVar variation 4887371 (VCV004887371.1).
Genomic context (GRCh38, chr7:74,063,371, plus strand): 5'-AGCCGGACCCGCCGCCGCCGCTGCCGCAGCCAAAGCTGCTGCCAAAGCCGCCCAGTTTGG[T>G]GAGCACTGGGTGGAGGTGGGAGCTGCCGCCAGGCCCCCAGGCCCCCAGGGTGTGGGAGGA-3'

ClinVar aggregate classification (germline): Likely pathogenic (1 of 4 stars; one submission).

Conditions:
Supravalvar aortic stenosis (SVAS). Also called: Supravalvar aortic stenosis, Eisenberg type. Identifiers: Orphanet 3193, MedGen C0003499, MONDO:0008504, OMIM 185500, HP:0004381.

Submission:

Women's Health and Genetics/Laboratory Corporation of America, LabCorp
Classification: Likely pathogenic for Supravalvar aortic stenosis. Last evaluated: 2026-06-10. Review status: criteria provided, single submitter. Criteria: LabCorp Variant Classification Summary - May 2015. Collection method: clinical testing. Allele origin: germline.
Comment: Variant summary: ELN c.2104+2T>G is located in a canonical splice-site and is predicted to affect mRNA splicing resulting in a significantly altered protein due to either exon skipping, shortening, or inclusion of intronic material. Variants that disrupt the consensus splice site are a relatively common cause of aberrant splicing and loss of ELN function. Several computational tools predict a significant impact on normal splicing: Four predict the variant abolishes a 5' splicing donor site. However, these predictions have yet to be confirmed by functional studies. The frequency data for this variant in gnomAD is considered unreliable, as metrics indicate poor data quality at this position. To our knowledge, no occurrence of c.2104+2T>G in individuals affected with ELN-related conditions and no experimental evidence demonstrating its impact on protein function have been reported. No submitters have cited clinical-significance assessments for this variant to ClinVar. Based on the evidence outlined above, the variant was classified as likely pathogenic.